The following is an entry in ClinVar:

NM_187841.3(TRIM54):c.537G>A (p.Ala179=)

Gene: TRIM54 (tripartite motif containing 54; plus strand). Cytogenetic location: 2p23.3.
Variant type: single nucleotide variant.
Coding change: c.537G>A on transcript NM_187841.3 (MANE Select); coding-DNA position 537, G replaced by A.
Protein change: p.Ala179=; no amino-acid change (alanine 179 retained).
Molecular consequence: synonymous variant.
Genome position (GRCh38, 1-based): chr2:27,304,982, G>A. VCF-style: chr2-27304982-G-A. GRCh37 (hg19) VCF-style: chr2-27527850-G-A.
Other names: c.663G>A, p.Ala221= (NM_032546.4).
Identifiers: ClinVar variation 775706 (VCV000775706.6), dbSNP rs35361421, ClinGen allele CA1575138.

ClinVar aggregate classification (germline): Benign. Review status: criteria provided, multiple submitters, no conflicts (2 of 4 stars). 3 submissions from 3 submitters: Benign (2). 1 of the submissions does not count toward it. Last evaluated 2018-03-29.

Conditions:
TRIM54-related disorder. Also called: TRIM54-related condition.

Allele frequency attached by ClinVar (database versions not stated): gnomAD exomes 0.00112 and 0.00304; ExAC 0.00396; 1000 Genomes Project 0.01138; 1000 Genomes Project 30x 0.01187; gnomAD 0.01194 and 0.01281; TOPMed 0.01377; ESP Exome Variant Server 0.01499.

Submissions (3):

Labcorp Genetics (formerly Invitae), Labcorp
Classification: Benign. Last evaluated: 2018-03-29. Review status: criteria provided, single submitter. Criteria: Invitae Variant Classification Sherloc (09022015). Collection method: clinical testing. Allele origin: germline.

Breakthrough Genomics
Classification: Benign. Review status: criteria provided, single submitter. Criteria: ACMG Guidelines, 2015. Collection method: not provided. Allele origin: germline. Inheritance: Unknown mechanism. Affected: yes.

PreventionGenetics, part of Exact Sciences
Classification: Benign for TRIM54-related condition. Last evaluated: 2019-02-19. Review status: no assertion criteria provided. Collection method: clinical testing. Allele origin: germline. Not counted in ClinVar's aggregate classification.
Comment: This variant is classified as benign based on ACMG/AMP sequence variant interpretation guidelines (Richards et al. 2015 PMID: 25741868, with internal and published modifications).